The following is an entry in ClinVar:

NM_178857.6(RP1L1):c.1540G>A (p.Gly514Ser)

Gene: RP1L1 (RP1 like 1). Cytogenetic location: 8p23.1.
Variant type: single nucleotide variant.
Coding change: c.1540G>A on transcript NM_178857.6 (MANE Select); coding-DNA position 1540, G replaced by A.
Protein change: p.Gly514Ser; replaces glycine 514 with serine.
Molecular consequence: missense variant.
Genome position (GRCh38, 1-based): chr8:10,612,558, C>T on the plus strand (G>A on the coding strand, the complement: RP1L1 is on the minus strand). VCF-style: chr8-10612558-C-T. GRCh37 (hg19) VCF-style: chr8-10470068-C-T.
Other names: short protein forms G514S.
Identifiers: ClinVar variation 361372 (VCV000361372.17), dbSNP rs74990397, ClinGen allele CA4625142.

ClinVar aggregate classification (germline): Benign. Review status: criteria provided, multiple submitters, no conflicts (2 of 4 stars). 8 submissions from 7 submitters: Benign (6). 2 of the submissions do not count toward it. Last evaluated 2023-10-01.

Conditions:
Occult macular dystrophy (OCMD). Also called: OMD; OCCULT MACULAR DYSTROPHY, SUSCEPTIBILITY TO. Identifiers: Orphanet 247834, MedGen C3150833, MONDO:0013316, OMIM 613587, HP:0030636.
Retinitis pigmentosa 88. Identifiers: MedGen C5394208, MONDO:0032940, OMIM 618826.
Retinal dystrophy. Also called: Inherited retinal dystrophy. Identifiers: Orphanet 71862, MedGen C0854723, MeSH D058499, MONDO:0019118, HP:0000556.

Allele frequency attached by ClinVar (database versions not stated): 1000 Genomes Project 0.29473; 1000 Genomes Project 30x 0.29903; gnomAD exomes 0.38311 and 0.46715; ExAC 0.39123; TOPMed 0.39968; gnomAD 0.41051 and 0.41802; ESP Exome Variant Server 0.44802.
gnomAD v4.1: 742,113 of 1,608,352 alleles (46%); highest among the groups gnomAD compares: Non-Finnish European, 51%; 180,324 homozygotes.

Submissions (8):

Dept Of Ophthalmology, Nagoya University
Classification: Benign for Retinal dystrophy. Last evaluated: 2023-10-01. Review status: criteria provided, single submitter. Criteria: Submitter's publication. Collection method: research. Allele origin: germline. Affected: yes.

Genome-Nilou Lab
Classification: Benign for Occult macular dystrophy. Last evaluated: 2021-11-07. Review status: criteria provided, single submitter. Criteria: ACMG Guidelines, 2015. Collection method: clinical testing. Allele origin: germline. Affected: no.

Genome-Nilou Lab
Classification: Benign for Retinitis pigmentosa 88. Last evaluated: 2021-11-07. Review status: criteria provided, single submitter. Criteria: ACMG Guidelines, 2015. Collection method: clinical testing. Allele origin: germline. Affected: no.

GeneDx
Classification: Benign. Last evaluated: 2019-01-28. Review status: criteria provided, single submitter. Criteria: GeneDx Variant Classification Process June 2021. Collection method: clinical testing. Allele origin: germline. Affected: yes.

Illumina Laboratory Services, Illumina
Classification: Benign for Occult macular dystrophy. Last evaluated: 2018-01-13. Review status: criteria provided, single submitter. Criteria: ICSL Variant Classification Criteria 13 December 2019. Collection method: clinical testing. Allele origin: germline.
Comment: This variant was observed in the ICSL laboratory as part of a predisposition screen in an ostensibly healthy population. It had not been previously curated by ICSL or reported in the Human Gene Mutation Database (HGMD: prior to June 1st, 2018), and was therefore a candidate for classification through an automated scoring system. Utilizing variant allele frequency, disease prevalence and penetrance estimates, and inheritance mode, an automated score was calculated to assess if this variant is too frequent to cause the disease. Based on the score and internal cut-off values, a variant classified as benign is not then subjected to further curation. The score for this variant resulted in a classification of benign for this disease.

Breakthrough Genomics
Classification: Benign. Review status: criteria provided, single submitter. Criteria: ACMG Guidelines, 2015. Collection method: not provided. Allele origin: germline. Inheritance: Autosomal recessive inheritance. Affected: yes.

Diagnostic Laboratory, Department of Genetics, University Medical Center Groningen
Classification: Benign. Review status: no assertion criteria provided. Collection method: clinical testing. Allele origin: germline. Affected: yes. Study: VKGL Data-share Consensus. Not counted in ClinVar's aggregate classification.

Joint Genome Diagnostic Labs from Nijmegen and Maastricht, Radboudumc and MUMC+
Classification: Benign. Review status: no assertion criteria provided. Collection method: clinical testing. Allele origin: germline. Affected: yes. Study: VKGL Data-share Consensus. Not counted in ClinVar's aggregate classification.